The following is an entry in ClinVar:

ClinVar aggregate classification (germline): Conflicting classifications of pathogenicity. Review status: criteria provided, conflicting classifications (1 of 4 stars). 2 submissions from 2 submitters: Likely pathogenic (1); Uncertain significance (1). Last evaluated 2022-07-19.

Conditions:
PRPF8-related disorder. Also called: PRPF8-related condition.

Submissions (2):

Labcorp Genetics (formerly Invitae), Labcorp
Classification: Uncertain significance. Last evaluated: 2022-07-19. Review status: criteria provided, single submitter. Criteria: Invitae Variant Classification Sherloc (09022015). Collection method: clinical testing. Allele origin: germline.
Comment: In summary, the available evidence is currently insufficient to determine the role of this variant in disease. Therefore, it has been classified as a Variant of Uncertain Significance. Algorithms developed to predict the effect of missense changes on protein structure and function are either unavailable or do not agree on the potential impact of this missense change (SIFT: "Deleterious"; PolyPhen-2: "Probably Damaging"; Align-GVGD: "Class C0"). ClinVar contains an entry for this variant (Variation ID: 867208). This missense change has been observed in individual(s) with retinitis pigmentosa (Invitae). This variant is not present in population databases (gnomAD no frequency). This sequence change replaces glutamine, which is neutral and polar, with arginine, which is basic and polar, at codon 2150 of the PRPF8 protein (p.Gln2150Arg).

Blueprint Genetics
Classification: Likely pathogenic for PRPF8-related disorders. Last evaluated: 2021-09-01. Review status: criteria provided, single submitter. Criteria: ACMG Guidelines, 2015. Collection method: clinical testing. Allele origin: germline. Affected: yes. Observed: 5 variant alleles.

NM_006445.4(PRPF8):c.6449A>G (p.Gln2150Arg)

Gene: PRPF8 (pre-mRNA processing factor 8; minus strand). Cytogenetic location: 17p13.3.
Variant type: single nucleotide variant.
Coding change: c.6449A>G on transcript NM_006445.4 (MANE Select); coding-DNA position 6449, A replaced by G.
Protein change: p.Gln2150Arg; replaces glutamine 2150 with arginine.
Molecular consequence: missense variant.
Genome position (GRCh38, 1-based): chr17:1,651,709, T>C on the plus strand (A>G on the coding strand, the complement: PRPF8 is on the minus strand). VCF-style: chr17-1651709-T-C. GRCh37 (hg19) VCF-style: chr17-1555003-T-C.
Other names: short protein forms Q2150R.
Identifiers: ClinVar variation 867208 (VCV000867208.10), dbSNP rs1911081749, ClinGen allele CA397565186.